The following is an entry in ClinVar:

NM_032861.4(SERAC1):c.1403+1G>A

Gene: SERAC1 (serine active site containing 1; minus strand). Cytogenetic location: 6q25.3.
Variant type: single nucleotide variant.
Coding change: c.1403+1G>A on transcript NM_032861.4 (MANE Select); the canonical splice donor site of the intron after coding-DNA position 1403, G replaced by A.
Molecular consequence: splice donor variant.
Genome position (GRCh38, 1-based): chr6:158,117,726, C>T on the plus strand (G>A on the coding strand, the complement: SERAC1 is on the minus strand). VCF-style: chr6-158117726-C-T. GRCh37 (hg19) VCF-style: chr6-158538758-C-T.
Identifiers: ClinVar variation 1456235 (VCV001456235.6), dbSNP rs1131690799, ClinGen allele CA366256723.

ClinVar aggregate classification (germline): Pathogenic (1 of 4 stars; one submission).

Conditions:
3-methylglutaconic aciduria with deafness, encephalopathy, and Leigh-like syndrome (MEGDEL). Also called: SERAC1 Deficiency; MEGDEL syndrome; 3-METHYLGLUTACONIC ACIDURIA, TYPE VI. Identifiers: Orphanet 352328, MedGen C4040739, MONDO:0013875, OMIM 614739.

Submission:

Labcorp Genetics (formerly Invitae), Labcorp
Classification: Pathogenic for 3-methylglutaconic aciduria with deafness, encephalopathy, and Leigh-like syndrome. Last evaluated: 2021-06-25. Review status: criteria provided, single submitter. Criteria: Invitae Variant Classification Sherloc (09022015). Collection method: clinical testing. Allele origin: germline.
Comment: This sequence change affects a donor splice site in intron 13 of the SERAC1 gene. RNA analysis indicates that this variant induces altered splicing and may result in an absent or disrupted protein product. This variant is not present in population databases (ExAC no frequency). Disruption of this splice site has been observed in individual(s) with MEGDEL syndrome (PMID: 22683713). Studies have shown that disruption of this splice site is associated with skipping of exon 13, which introduces a premature termination codon (PMID: 22683713). The resulting mRNA is expected to undergo nonsense-mediated decay. For these reasons, this variant has been classified as Pathogenic.

Literature cited by the submitters: PubMed 22683713.